The following is an entry in ClinVar:

NM_024675.4(PALB2):c.757C>A (p.Leu253Ile)

Gene: PALB2 (partner and localizer of BRCA2; minus strand). Cytogenetic location: 16p12.2.
Variant type: single nucleotide variant.
Coding change: c.757C>A on transcript NM_024675.4 (MANE Select); coding-DNA position 757, C replaced by A.
Protein change: p.Leu253Ile; replaces leucine 253 with isoleucine.
Molecular consequence: missense variant. On other transcripts: 5 prime UTR variant (8), intron variant (3).
Genome position (GRCh38, 1-based): chr16:23,635,789, G>T on the plus strand (C>A on the coding strand, the complement: PALB2 is on the minus strand). VCF-style: chr16-23635789-G-T. GRCh37 (hg19) VCF-style: chr16-23647110-G-T.
Other names: c.697C>A, p.Leu233Ile (NM_001407296.1); c.757C>A, p.Leu253Ile (NM_001407297.1, NM_001407298.1, NM_001407299.1 and 3 more transcripts); c.-129C>A (NM_001407304.1, NM_001407305.1, NM_001407306.1 and 5 more transcripts); c.48+5321C>A (NM_001407314.1); c.-104-5320C>A (NM_001407313.1, NM_001407312.1); short protein forms L253I, L233I.
Identifiers: ClinVar variation 3658592 (VCV003658592.2).
Genomic context (GRCh38, chr16:23,635,789, plus strand): 5'-GTTCACTGCTACCTTTAGGAGGAATGTGTTCAAGGTGCTGACTACTACCGCTATCTGATA[G>T]AGTCTGTAAAGGAACTGTAGTCGCCCTGGTGAAATTAGGTCTTCTTAGGAATGTATCAAC-3'
Protein context (NP_078951.2, residues 243-263): TRATTVPLQT[Leu253Ile]SDSGSSQHLE

ClinVar aggregate classification (germline): Uncertain significance (1 of 4 stars; one submission).

Conditions:
Familial cancer of breast. Also called: Hereditary breast cancer; hereditary breast carcinoma; BREAST CANCER, FAMILIAL. Identifiers: Orphanet 227535, MedGen C0346153, MONDO:0016419, OMIM 114480. Disease mechanism: loss of function.

Submission:

Labcorp Genetics (formerly Invitae), Labcorp
Classification: Uncertain significance for Familial cancer of breast. Last evaluated: 2024-07-03. Review status: criteria provided, single submitter. Criteria: Invitae Variant Classification Sherloc (09022015). Collection method: clinical testing. Allele origin: germline.
Comment: This sequence change replaces leucine, which is neutral and non-polar, with isoleucine, which is neutral and non-polar, at codon 253 of the PALB2 protein (p.Leu253Ile). This variant is not present in population databases (gnomAD no frequency). This variant has not been reported in the literature in individuals affected with PALB2-related conditions. Algorithms developed to predict the effect of missense changes on protein structure and function output the following: SIFT: "Not Available"; PolyPhen-2: "Benign"; Align-GVGD: "Not Available". The isoleucine amino acid residue is found in multiple mammalian species, which suggests that this missense change does not adversely affect protein function. In summary, the available evidence is currently insufficient to determine the role of this variant in disease. Therefore, it has been classified as a Variant of Uncertain Significance.